The following is an entry in ClinVar:

NM_001001331.4(ATP2B2):c.3634G>A (p.Ala1212Thr)

Gene: ATP2B2 (ATPase plasma membrane Ca2+ transporting 2; minus strand). Cytogenetic location: 3p25.3.
Variant type: single nucleotide variant.
Coding change: c.3634G>A on transcript NM_001001331.4 (MANE Select); coding-DNA position 3634, G replaced by A.
Protein change: p.Ala1212Thr; replaces alanine 1212 with threonine.
Molecular consequence: missense variant. On other transcripts: 3 prime UTR variant (2).
Genome position (GRCh38, 1-based): chr3:10,328,912, C>T on the plus strand (G>A on the coding strand, the complement: ATP2B2 is on the minus strand). VCF-style: chr3-10328912-C-T. GRCh37 (hg19) VCF-style: chr3-10370596-C-T.
Other names: c.*261G>A (NM_001330611.3); c.3499G>A, p.Ala1167Thr (NM_001353564.1, NM_001683.5); c.*188G>A (NM_001363862.1); short protein forms A1167T, A1212T.
Identifiers: ClinVar variation 3906530 (VCV003906530.2).

ClinVar aggregate classification (germline): Uncertain significance (1 of 4 stars; one submission).

gnomAD v4.1: 1 of 1,613,698 alleles (0.000062%); no homozygotes.

Submission:

GeneDx
Classification: Uncertain significance. Last evaluated: 2026-08-05. Review status: criteria provided, single submitter. Criteria: GeneDx Variant Classification Process June 2021. Collection method: clinical testing. Allele origin: germline.
Comment: Reported in a patient with autism; however, additional clinical information was not provided (PMID: 35982160); Not observed at significant frequency in large population cohorts (gnomAD); In silico analysis suggests that this missense variant does not alter protein structure/function; This variant is associated with the following publications: (PMID: 35982160, 35982159)